The following is an entry in ClinVar:

ClinVar aggregate classification (germline): Uncertain significance. Review status: criteria provided, multiple submitters, no conflicts (2 of 4 stars). 2 submissions from 2 submitters: Uncertain significance (2). Last evaluated 2025-04-17.

Conditions:
Inborn genetic diseases. Identifiers: MedGen C0950123, MeSH D030342.
Kleefstra syndrome 1 (KLEFS1). Identifiers: Orphanet 261494, MedGen C0795833, MONDO:0027407, OMIM 610253.

Allele frequency attached by ClinVar (database versions not stated): gnomAD exomes below 0.00001; gnomAD 0.00001; TOPMed 0.00001.

Submissions (2):

Labcorp Genetics (formerly Invitae), Labcorp
Classification: Uncertain significance for Kleefstra syndrome 1. Last evaluated: 2025-04-17. Review status: criteria provided, single submitter. Criteria: Invitae Variant Classification Sherloc (09022015). Collection method: clinical testing. Allele origin: germline.
Comment: This sequence change replaces arginine, which is basic and polar, with tryptophan, which is neutral and slightly polar, at codon 1132 of the EHMT1 protein (p.Arg1132Trp). This variant is present in population databases (no rsID available, gnomAD 0.007%). This variant has not been reported in the literature in individuals affected with EHMT1-related conditions. ClinVar contains an entry for this variant (Variation ID: 1463988). Invitae Evidence Modeling of protein sequence and biophysical properties (such as structural, functional, and spatial information, amino acid conservation, physicochemical variation, residue mobility, and thermodynamic stability) indicates that this missense variant is expected to disrupt EHMT1 protein function with a positive predictive value of 80%. In summary, the available evidence is currently insufficient to determine the role of this variant in disease. Therefore, it has been classified as a Variant of Uncertain Significance.

Ambry Genetics
Classification: Uncertain significance for Inborn genetic diseases. Last evaluated: 2021-03-17. Review status: criteria provided, single submitter. Criteria: Ambry Variant Classification Scheme 2023. Collection method: clinical testing. Allele origin: germline.
Comment: The c.3394C>T (p.R1132W) alteration is located in exon 24 (coding exon 24) of the EHMT1 gene. This alteration results from a C to T substitution at nucleotide position 3394, causing the arginine (R) at amino acid position 1132 to be replaced by a tryptophan (W). The p.R1132W alteration is predicted to be deleterious by in silico analysis. Based on insufficient or conflicting evidence, the clinical significance of this alteration remains unclear.

NM_024757.5(EHMT1):c.3394C>T (p.Arg1132Trp)

Gene: EHMT1 (euchromatic histone lysine methyltransferase 1; plus strand). Cytogenetic location: 9q34.3.
Variant type: single nucleotide variant.
Coding change: c.3394C>T on transcript NM_024757.5 (MANE Select); coding-DNA position 3394, C replaced by T.
Protein change: p.Arg1132Trp; replaces arginine 1132 with tryptophan.
Molecular consequence: missense variant.
Genome position (GRCh38, 1-based): chr9:137,817,458, C>T. VCF-style: chr9-137817458-C-T. GRCh37 (hg19) VCF-style: chr9-140711910-C-T.
Other names: c.3394C>T (NM_024757.4); c.3373C>T, p.Arg1125Trp (NM_001354263.2); short protein forms R1132W, R1125W.
Identifiers: ClinVar variation 1463988 (VCV001463988.9), dbSNP rs1230494244, ClinGen allele CA375772970.